The following is an entry in ClinVar:

ClinVar aggregate classification (germline): Pathogenic. Review status: criteria provided, multiple submitters, no conflicts (2 of 4 stars). 5 submissions from 5 submitters: Pathogenic (3). 2 of the submissions do not count toward it. Last evaluated 2021-07-15.

Conditions:
SLC22A5-related disorder. Also called: SLC22A5-related condition.
Renal carnitine transport defect (CDSP). Also called: Systemic primary carnitine deficiency; Carnitine transporter deficiency; Primary carnitine deficiency; Carnitine Deficiency, Systemic; Systemic primary carnitine deficiency disease; CARNITINE DEFICIENCY, SYSTEMIC, DUE TO DEFECT IN RENAL REABSORPTION OF CARNITINE. Identifiers: Orphanet 158, MedGen C0342788, MONDO:0008919, OMIM 212140.

Submissions (5):

Genome-Nilou Lab
Classification: Pathogenic for Renal carnitine transport defect. Last evaluated: 2021-07-15. Review status: criteria provided, single submitter. Criteria: ACMG Guidelines, 2015. Collection method: clinical testing. Allele origin: germline. Affected: no.

Women's Health and Genetics/Laboratory Corporation of America, LabCorp
Classification: Pathogenic for Renal carnitine transport defect. Last evaluated: 2021-02-13. Review status: criteria provided, single submitter. Criteria: LabCorp Variant Classification Summary - May 2015. Collection method: clinical testing. Allele origin: germline.
Comment: Variant summary: SLC22A5 c.1556_1559dupACAC (p.Ile521HisfsX3) results in a premature termination codon, predicted to cause a truncation of the encoded protein or absence of the protein due to nonsense mediated decay, which are commonly known mechanisms for disease. The variant was absent in 251418 control chromosomes. c.1556_1559dupACAC has been reported in the literature in individuals affected with Systemic Primary Carnitine Deficiency and has been subsequently cited by others (example, Schimmenti_2007, Rose_2012, Longo_2016, Frigeni_2017). To our knowledge, no experimental evidence demonstrating an impact on protein function has been reported. One clinical diagnostic laboratory has submitted clinical-significance assessments for this variant to ClinVar after 2014 and classified the variant as pathogenic citing one overlapping publication utilized in the context of this evaluation. Based on the evidence outlined above, the variant was classified as pathogenic.

Molecular Diagnostics Laboratory, M Health Fairview: University of Minnesota
Classification: Pathogenic for Renal carnitine transport defect. Last evaluated: 2016-07-20. Review status: criteria provided, single submitter. Criteria: ACMG Guidelines, 2015. Collection method: clinical testing. Allele origin: germline. Affected: yes. Observed: 1 variant allele.

PreventionGenetics, part of Exact Sciences
Classification: Pathogenic for SLC22A5-related condition. Last evaluated: 2024-05-17. Review status: no assertion criteria provided. Collection method: clinical testing. Allele origin: germline. Not counted in ClinVar's aggregate classification.
Comment: The SLC22A5 c.1556_1559dupACAC variant is predicted to result in a frameshift and premature protein termination (p.Ile521Hisfs*3). This variant has been reported in the presumed compound heterozygous state (along with the established pathogenic variant p.Pro46Ser) in at least two individuals with primary carnitine deficiency (Schimmenti et al. 2007. PubMed ID: 17126586; Frigeni et al. 2017. PubMed ID: 28841266). Cultured fibroblasts from both individuals have an almost complete loss of carnitine transport activity (3.4 - 4.2%) compared to fibroblasts from healthy controls (Schimmenti et al. 2007. PubMed ID: 17126586; Frigeni et al. 2017. PubMed ID: 28841266). This variant has not been reported in the gnomAD database, indicating this variant is rare. Frameshift variants in SLC22A5 are expected to be pathogenic. This variant is interpreted as pathogenic.

Counsyl
Classification: Likely pathogenic for Renal carnitine transport defect. Last evaluated: 2014-07-23. Review status: no assertion criteria provided. Collection method: literature only. Allele origin: unknown. Inheritance: Autosomal recessive inheritance. Not counted in ClinVar's aggregate classification.

Literature cited by the submitters: PubMed 21922592 (cited by Women's Health and Genetics/Laboratory Corporation of America, LabCorp); PubMed 26828774 (cited by Women's Health and Genetics/Laboratory Corporation of America, LabCorp); PubMed 28841266 (cited by Women's Health and Genetics/Laboratory Corporation of America, LabCorp); PubMed 17126586 (cited by 3 submitters).

NM_003060.4(SLC22A5):c.1556_1559dup (p.Ile521fs)

Gene: SLC22A5 (solute carrier family 22 member 5; plus strand). Cytogenetic location: 5q31.1.
Variant type: Microsatellite.
Coding change: c.1556_1559dup on transcript NM_003060.4 (MANE Select); coding-DNA positions 1556 to 1559, 4 bases duplicated (ACAC; older notation c.1556_1559dupACAC).
Protein change: p.Ile521fs; shifts the reading frame from isoleucine 521.
Molecular consequence: frameshift variant.
Genome position (GRCh38, 1-based): chr5:132,393,781-132,393,784, ACAC duplicated. VCF-style (leftmost placement, unchanged base first): chr5-132393780-G-GACAC. GRCh37 (hg19) VCF-style: chr5-131729472-G-GACAC.
Other names: c.1628_1631dup, p.Ile545fs (NM_001308122.2); short protein forms I521fs, I545fs.
Identifiers: ClinVar variation 25429 (VCV000025429.9), dbSNP rs386134225, ClinGen allele CA342690.